The following is an entry in ClinVar:

NM_000238.4(KCNH2):c.3392G>A (p.Gly1131Asp)

Gene: KCNH2 (potassium voltage-gated channel subfamily H member 2; minus strand). Cytogenetic location: 7q36.1.
Variant type: single nucleotide variant.
Coding change: c.3392G>A on transcript NM_000238.4 (MANE Select); coding-DNA position 3392, G replaced by A.
Protein change: p.Gly1131Asp; replaces glycine 1131 with aspartic acid.
Molecular consequence: missense variant. On other transcripts: non-coding transcript variant (2).
Genome position (GRCh38, 1-based): chr7:150,945,453, C>T on the plus strand (G>A on the coding strand, the complement: KCNH2 is on the minus strand). VCF-style: chr7-150945453-C-T. GRCh37 (hg19) VCF-style: chr7-150642541-C-T.
Other names: c.3104G>A, p.Gly1035Asp (NM_001406753.1); c.2372G>A, p.Gly791Asp (NM_172057.3); short protein forms G1035D, G791D, G1131D.
Identifiers: ClinVar variation 2452992 (VCV002452992.2), dbSNP rs370558996, ClinGen allele CA369851502.

ClinVar aggregate classification (germline): Uncertain significance (1 of 4 stars; one submission).

Conditions:
Cardiovascular phenotype. Identifiers: MedGen CN230736.

Submission:

Ambry Genetics
Classification: Uncertain significance for Cardiovascular phenotype. Last evaluated: 2022-12-15. Review status: criteria provided, single submitter. Criteria: Ambry Variant Classification Scheme 2023. Collection method: clinical testing. Allele origin: germline.
Comment: The p.G1131D variant (also known as c.3392G>A), located in coding exon 15 of the KCNH2 gene, results from a G to A substitution at nucleotide position 3392. The glycine at codon 1131 is replaced by aspartic acid, an amino acid with similar properties. This amino acid position is highly conserved in available vertebrate species. In addition, this alteration is predicted to be deleterious by in silico analysis. Since supporting evidence is limited at this time, the clinical significance of this alteration remains unclear.